The following continues an entry in ClinVar:

NM_007294.4(BRCA1):c.5030_5033del (p.Thr1677fs)

Gene: BRCA1. ClinVar aggregate classification (germline): Pathogenic. Pathogenic (1).

Submissions 7 to 22 of 35:

Ambry Genetics
Classification: Pathogenic for Hereditary cancer-predisposing syndrome. Last evaluated: 2025-06-09. Review status: criteria provided, single submitter. Criteria: Ambry Variant Classification Scheme 2023. Collection method: clinical testing. Allele origin: germline. Not counted in ClinVar's aggregate classification.
Comment: The c.5030_5033delCTAA pathogenic mutation, located in coding exon 15 of the BRCA1 gene, results from a deletion of 4 nucleotides at positions 5030 to 5033, causing a translational frameshift with a predicted alternate stop codon (p.T1677Ifs*2). This variant has been reported in numerous HBOC families and patients with triple negative breast cancer throughout the world (Stoppa-Lyonnet D et al. Am. J. Hum. Genet. 1997 May;60(5):1021-30; Caputo S et al. Nucleic Acids Res. 2012 Jan;40(Database issue):D992-1002; Ghiorzo P et al. Fam. Cancer 2012 Mar;11(1):41-7; Schneegans SM et al. Fam. Cancer 2012 Jun;11(2):181-8; Kim H et al. Breast Cancer Res. Treat. 2012 Aug;134(3):1315-26; Kang E et al. Breast Cancer Res. Treat. 2015 May;151(1):157-68; Dodova RI et al. BMC Cancer 2015 Jul;15:523; Rashid M et al. BMC Cancer 2016 08;16(1):673; Heramb C et al. Hered. Cancer Clin. Pract. 2018 Jan;16:3; Abdel-Razeq H et al. BMC Cancer 2018 02;18(1):152). Of note, this variant is also designated as 5149del4 and 5149delCTAA in published literature. This variant is considered to be rare based on population cohorts in the Genome Aggregation Database (gnomAD). In addition to the clinical data presented in the literature, this alteration is expected to result in loss of function by premature protein truncation or nonsense-mediated mRNA decay. As such, this alteration is interpreted as a disease-causing mutation.

Molecular Pathology, Peter Maccallum Cancer Centre
Classification: Pathogenic for Breast-ovarian cancer, familial, susceptibility to, 1. Last evaluated: 2025-05-20. Review status: criteria provided, single submitter. Criteria: ACMG Guidelines, 2015. Collection method: clinical testing. Allele origin: germline. Inheritance: Autosomal dominant inheritance. Not counted in ClinVar's aggregate classification.

KCCC/NGS Laboratory, Kuwait Cancer Control Center
Classification: Pathogenic for Breast-ovarian cancer, familial, susceptibility to, 1. Last evaluated: 2024-04-03. Review status: criteria provided, single submitter. Criteria: ACMG Guidelines, 2015. Collection method: clinical testing. Allele origin: germline. Inheritance: Autosomal dominant inheritance. Affected: yes. Observed: 1 heterozygote. Not counted in ClinVar's aggregate classification.
Comment: This alteration is expected to result in loss of function by premature protein truncation or nonsense-mediated mRNA decay. As such, this alteration is interpreted as a disease-causing mutation.. It is expected to result in an absent or disrupted protein product. Loss-of-function variants in BRCA1 are known to be pathogenic (PMID: 20104584). This variant is not present in population databases (gnomAD no frequency). This premature translational stop signal has been observed in individual(s) with breast and/or ovarian cancer, and pancreatic cancer (PMID: 9150149, 21989927, 22144684, 22160602). This variant is also known as 5149del4, ter1678 and c.5149delCTAA. ClinVar contains an entry for this variant (Variation ID: 37623). For these reasons, this variant has been classified as Pathogenic.

Baylor Genetics
Classification: Pathogenic for Breast-ovarian cancer, familial, susceptibility to, 1. Last evaluated: 2023-11-27. Review status: criteria provided, single submitter. Criteria: ACMG Guidelines, 2015. Collection method: clinical testing. Allele origin: unknown. Not counted in ClinVar's aggregate classification.

Color Diagnostics, LLC DBA Color Health
Classification: Pathogenic for Hereditary cancer-predisposing syndrome. Last evaluated: 2023-11-13. Review status: criteria provided, single submitter. Criteria: ACMG Guidelines, 2015. Collection method: clinical testing. Allele origin: germline. Not counted in ClinVar's aggregate classification.
Comment: This variant deletes 4 nucleotides in exon 16 of the BRCA1 gene, creating a frameshift and premature translation stop signal. This variant is expected to result in an absent or non-functional protein product. This variant has been reported in over 11 individuals affected with breast and/or ovarian cancer (PMID: 22160602, 22798144, 23961350, 23479189, 24916970, 25863477, 29339979, 29409476, 29752822, 29907814, 30128899, 33471991). This variant has not been identified in the general population by the Genome Aggregation Database (gnomAD). Loss of BRCA1 function is a known mechanism of disease. Based on the available evidence, this variant is classified as Pathogenic.

GeneDx
Classification: Pathogenic. Last evaluated: 2023-04-10. Review status: criteria provided, single submitter. Criteria: GeneDx Variant Classification Process June 2021. Collection method: clinical testing. Allele origin: germline. Affected: yes. Not counted in ClinVar's aggregate classification.
Comment: Frameshift variant predicted to result in protein truncation or nonsense mediated decay in a gene for which loss of function is a known mechanism of disease; Not observed at significant frequency in large population cohorts (gnomAD); Observed in individuals with a personal or family history consistent with pathogenic variants in this gene (Stoppa-Lyonnet et al., 1997; Schneegans et al., 2012; Solano et al., 2012; de Juan Jimenez et al., 2013; Kang et al., 2015; Rweyemamu et al., 2023); Truncating variants in this gene are considered pathogenic by a well-established clinical consortium and/or database; Also known as 5149_5152delCTAA; This variant is associated with the following publications: (PMID: 28127413, 22160602, 25863477, 30702160, 30287823, 34290354, 34490083, 34413315, 32455662, 32980694, 32772980, 32438681, 30040829, 28888541, 9150149, 22144684, 21989927, 23961350, 23479189, 26183948, 24916970, 15146557, 26843898, 26083025, 27741520, 22798144, 27553291, 27062684, 29020732, 29339979, 29752822, 28831036, 29907814, 28111427, 31372034, 30309222, 30199306, 32072338, 29625052, 26689913, 33726785, 11597388, 32341426, 32719484, 30875412, 30787465, 30613976, 36139606, 34645131, 35264596, 34063308, 34072659, 36230495, 33403015, 32245699, 32380732, 35908255, 35451682, 35893033, 34657357, 35216584, 33649982, 32694901, 34022715, 32862574)

Mayo Clinic Laboratories, Mayo Clinic
Classification: Pathogenic. Last evaluated: 2022-10-20. Review status: criteria provided, single submitter. Criteria: ACMG Guidelines, 2015. Collection method: clinical testing. Allele origin: germline. Observed: 1 variant allele. Not counted in ClinVar's aggregate classification.
Comment: PP5, PM2, PS4_moderate, PVS1

Women's Health and Genetics/Laboratory Corporation of America, LabCorp
Classification: Pathogenic for Hereditary breast ovarian cancer syndrome. Last evaluated: 2022-03-28. Review status: criteria provided, single submitter. Criteria: LabCorp Variant Classification Summary - May 2015. Collection method: clinical testing. Allele origin: germline. Not counted in ClinVar's aggregate classification.
Comment: Variant summary: BRCA1 c.5030_5033delCTAA (p.Thr1677IlefsX2) results in a premature termination codon, predicted to cause a truncation of the encoded protein or absence of the protein due to nonsense mediated decay, which are commonly known mechanisms for disease. Truncations downstream of this position have been classified as pathogenic by our laboratory. The variant was absent in 251382 control chromosomes. c.5030_5033delCTAA has been reported in the literature in numerous individuals affected with Hereditary Breast And Ovarian Cancer Syndrome. 13 clinical submitters via ClinVar have classified the variant as pathogenic, including an expert panel. Based on the evidence outlined above, the variant was classified as pathogenic.

Fulgent Genetics
Classification: Pathogenic for Familial cancer of breast; Breast-ovarian cancer, familial, susceptibility to, 1; Pancreatic cancer, susceptibility to, 4; Fanconi anemia, complementation group S. Last evaluated: 2021-11-18. Review status: criteria provided, single submitter. Criteria: ACMG Guidelines, 2015. Collection method: clinical testing. Allele origin: unknown. Not counted in ClinVar's aggregate classification.

Quest Diagnostics Nichols Institute San Juan Capistrano
Classification: Pathogenic. Last evaluated: 2021-08-09. Review status: criteria provided, single submitter. Criteria: Quest Diagnostics criteria. Collection method: clinical testing. Allele origin: unknown. Not counted in ClinVar's aggregate classification.
Comment: This frameshift variant causes the premature termination of BRCA1 protein synthesis. It has not been reported in large, multi-ethnic general populations. In addition, it has been reported in affected individuals with breast and/or ovarian cancer and has been reported as a founder variant in French breast cancer populations (PMIDs: 31372034 (2019), 30128899 (2018), 29907814 (2018), 22144684 (2012), and 9150149 (1997)). Based on the available information, this variant is classified as pathogenic.

Institute of Medical Genetics and Applied Genomics, University Hospital Tübingen
Classification: Pathogenic. Last evaluated: 2020-10-23. Review status: criteria provided, single submitter. Criteria: ACMG Guidelines, 2015. Collection method: clinical testing. Allele origin: germline. Inheritance: Autosomal unknown. Affected: yes. Not counted in ClinVar's aggregate classification.

Mendelics
Classification: Pathogenic for Hereditary breast and ovarian cancer syndrome. Last evaluated: 2018-07-02. Review status: criteria provided, single submitter. Criteria: Mendelics Assertion Criteria 2017. Collection method: clinical testing. Allele origin: unknown. Not counted in ClinVar's aggregate classification.

Department of Medical Genetics, Oslo University Hospital
Classification: Pathogenic for Breast-ovarian cancer, familial, susceptibility to, 1. Last evaluated: 2016-04-18. Review status: criteria provided, single submitter. Criteria: ACMG Guidelines, 2015. Collection method: clinical testing. Allele origin: germline. Affected: yes. Observed: 1 variant allele. Not counted in ClinVar's aggregate classification.

Laboratory of Molecular Diagnosis of Cancer, West China Hospital, Sichuan University
Classification: Pathogenic for Breast neoplasm. Last evaluated: 2015-11-01. Review status: criteria provided, single submitter. Criteria: ACMG Guidelines, 2015. Collection method: research. Allele origin: germline. Affected: yes. Observed: 1 variant allele. Not counted in ClinVar's aggregate classification.

Consortium of Investigators of Modifiers of BRCA1/2 (CIMBA), c/o University of Cambridge
Classification: Pathogenic for Breast-ovarian cancer, familial, susceptibility to, 1. Last evaluated: 2015-10-02. Review status: criteria provided, single submitter. Criteria: CIMBA Mutation Classification guidelines May 2016. Collection method: clinical testing. Allele origin: germline. Not counted in ClinVar's aggregate classification.

Clinical Genetics DNA and cytogenetics Diagnostics Lab, Erasmus MC, Erasmus Medical Center
Classification: Pathogenic for Breast-ovarian cancer, familial, susceptibility to, 1. Last evaluated: 2015-09-21. Review status: criteria provided, single submitter. Criteria: ACGS Guidelines, 2013. Collection method: clinical testing. Allele origin: germline. Affected: yes. Study: VKGL Data-share Consensus. Not counted in ClinVar's aggregate classification.